The following is an entry in ClinVar:

ClinVar aggregate classification (germline): Uncertain significance (1 of 4 stars; one submission).

Submission:

Ambry Genetics
Classification: Uncertain significance. Last evaluated: 2024-04-19. Review status: criteria provided, single submitter. Criteria: Ambry Variant Classification Scheme 2023. Collection method: clinical testing. Allele origin: germline.
Comment: The p.C66S variant (also known as c.196T>A), located in coding exon 3 of the KIF1B gene, results from a T to A substitution at nucleotide position 196. The cysteine at codon 66 is replaced by serine, an amino acid with dissimilar properties. This amino acid position is conserved. In addition, this alteration is predicted to be tolerated by in silico analysis. Based on the available evidence, the clinical significance of this variant remains unclear.

NM_001365951.3(KIF1B):c.196T>A (p.Cys66Ser)

Gene: KIF1B (kinesin family member 1B; plus strand). Cytogenetic location: 1p36.22.
Variant type: single nucleotide variant.
Coding change: c.196T>A on transcript NM_001365951.3 (MANE Select); coding-DNA position 196, T replaced by A.
Protein change: p.Cys66Ser; replaces cysteine 66 with serine.
Molecular consequence: missense variant.
Genome position (GRCh38, 1-based): chr1:10,258,505, T>A. VCF-style: chr1-10258505-T-A. GRCh37 (hg19) VCF-style: chr1-10318563-T-A.
Other names: c.196T>A, p.Cys66Ser (NM_001365952.1, NM_001365953.1, NM_015074.3 and 1 more transcripts); short protein forms C66S.
Identifiers: ClinVar variation 3288389 (VCV003288389.1).
Genomic context (GRCh38, chr1:10,258,505, plus strand): 5'-AAGAAATATTAATAAAAGGTTATTTATTTCTCCTTTTACTCTTTACAGCCCGAAGATCCC[T>A]GTTTTGCATCTCAAAACCGTGTGTACAATGACATTGGCAAGGAAATGCTCTTACACGCCT-3'
Protein context (NP_001352880.1, residues 56-76): YWSHTSPEDP[Cys66Ser]FASQNRVYND